The following is an entry in ClinVar:

NM_001367721.1(CASK):c.2317+1G>A

Gene: CASK (calcium/calmodulin dependent serine protein kinase; minus strand). Cytogenetic location: Xp11.4.
Variant type: single nucleotide variant.
Coding change: c.2317+1G>A on transcript NM_001367721.1 (MANE Select); the canonical splice donor site of the intron after coding-DNA position 2317, G replaced by A.
Molecular consequence: splice donor variant.
Genome position (GRCh38, 1-based): chrX:41,534,705, C>T on the plus strand (G>A on the coding strand, the complement: CASK is on the minus strand). VCF-style: chrX-41534705-C-T. GRCh37 (hg19) VCF-style: chrX-41393958-C-T.
Other names: c.2230+1G>A (NM_001126055.3); c.2299+1G>A (NM_001410745.1); c.2233+1G>A (NM_001126054.3); c.2302+1G>A (NM_003688.4).
Identifiers: ClinVar variation 446289 (VCV000446289.26), dbSNP rs1555975458, ClinGen allele CA412991360.

ClinVar aggregate classification (germline): Pathogenic/Likely pathogenic. Review status: criteria provided, multiple submitters, no conflicts (2 of 4 stars). 6 submissions from 6 submitters: Pathogenic (5); Likely pathogenic (1). Last evaluated 2025-07-21.

Conditions:
Syndromic X-linked intellectual disability Najm type (MICPCH). Also called: Intellectual Disability and Microcephaly with Pontine and Cerebellar Hypoplasia; Mental retardation and microcephaly with pontine and cerebellar hypoplasia; Intellectual Disability and Microcephaly with Pontine and Cerebellar Hypoplasia (MICPCH); MICPCH SYNDROME; Intellectual developmental disorder and microcephaly with pontine and cerebellar hypoplasia; MENTAL RETARDATION, X-LINKED, SYNDROMIC, NAJM TYPE. Identifiers: Orphanet 163937, MedGen C2677903, MONDO:0010417, OMIM 300749.
Intellectual disability, CASK-related, X-linked. Identifiers: MedGen CN043158.
CASK-related disorder. Also called: CASK-related disorders; CASK-related condition.
Inborn genetic diseases. Identifiers: MedGen C0950123, MeSH D030342.

Submissions (6):

Ambry Genetics
Classification: Pathogenic for Inborn genetic diseases. Last evaluated: 2025-07-21. Review status: criteria provided, single submitter. Criteria: Ambry Variant Classification Scheme 2023. Collection method: clinical testing. Allele origin: germline.
Comment: The c.2302+1G>A intronic alteration results from a G to A substitution one nucleotide after coding exon 24 of the CASK gene. Alterations that disrupt the canonical splice site are expected to result in aberrant splicing. A resulting transcript is predicted to be in-frame and is not expected to trigger nonsense-mediated mRNA decay. for X-linked dominant CASK-related microcephaly with pontine and cerebellar hypoplasia; however, its clinical significance for X-linked recessive CASK-related intellectual disability with or without nystagmus is uncertain. This variant was not reported in population-based cohorts in the Genome Aggregation Database (gnomAD). This variant was reported in individuals with features consistent with CASK-related microcephaly with pontine and cerebellar hypoplasia; in at least one individual, it was determined to be de novo (Cristofoli, 2018; Nuovo, 2022). This nucleotide position is highly conserved in available vertebrate species. RNA studies have demonstrated that this alteration results in abnormal splicing (Cristofoli, 2018). In silico splice site analysis predicts that this alteration will weaken the native splice donor site. Based on the available evidence, this alteration is classified as pathogenic.

Dasa
Classification: Pathogenic. Last evaluated: 2025-01-08. Review status: criteria provided, single submitter. Criteria: DASA Assertion Criteria. Collection method: clinical testing. Allele origin: germline.
Comment: NM_001367721.1(CASK):c.2317+1G>A introduces a premature termination codon predicted to result in loss of normal protein function. Loss-of-function is an established mechanism of disease for this gene. This variant results in the same amino acid change as a previously established pathogenic variant. De novo occurrence has been reported in an individual with related phenotype. This variant has been reported in individuals with related phenotype (PMID: 29691940). The variant is present at low frequency in population datasets. Based on the available data, this variant is classified as pathogenic.

GeneDx
Classification: Pathogenic. Last evaluated: 2023-01-24. Review status: criteria provided, single submitter. Criteria: GeneDx Variant Classification Process June 2021. Collection method: clinical testing. Allele origin: germline. Affected: yes.
Comment: Not observed at significant frequency in large population cohorts (gnomAD); Canonical splice site variant expected to result in aberrant splicing, although in the absence of functional evidence the actual effect of this sequence change is unknown.; Deletions involving coding exons of this gene are a known mechanism of disease (HGMD); This variant is associated with the following publications: (PMID: 27535533, 29691940, 33504798, 34085948, 31785789)

Labcorp Genetics (formerly Invitae), Labcorp
Classification: Pathogenic for Intellectual disability, CASK-related, X-linked. Last evaluated: 2022-11-03. Review status: criteria provided, single submitter. Criteria: Invitae Variant Classification Sherloc (09022015). Collection method: clinical testing. Allele origin: germline.
Comment: For these reasons, this variant has been classified as Pathogenic. Algorithms developed to predict the effect of sequence changes on RNA splicing suggest that this variant may disrupt the consensus splice site. ClinVar contains an entry for this variant (Variation ID: 446289). Disruption of this splice site has been observed in individual(s) with microcephaly with pontine and cerebellar hypoplasia and/or syndromic microcephaly and/or intellectual disability (PMID: 28783747, 29691940). In at least one individual the variant was observed to be de novo. This variant is not present in population databases (gnomAD no frequency). This sequence change affects a donor splice site in intron 24 of the CASK gene. It is expected to disrupt RNA splicing. Variants that disrupt the donor or acceptor splice site typically lead to a loss of protein function (PMID: 16199547), and loss-of-function variants in CASK are known to be pathogenic (PMID: 19165920, 20029458, 21954287, 22452838, 22709267).

Blueprint Genetics
Classification: Likely pathogenic for CASK-related disorders. Last evaluated: 2018-08-17. Review status: criteria provided, single submitter. Criteria: ACMG Guidelines, 2015. Collection method: clinical testing. Allele origin: germline. Affected: yes. Observed: 1 variant allele.

Laboratory for Cytogenetics and Genome Research, KU Leuven
Classification: Pathogenic for Syndromic X-linked intellectual disability Najm type. Last evaluated: 2017-11-01. Review status: criteria provided, single submitter. Criteria: ACMG Guidelines, 2015. Collection method: research. Allele origin: de novo. Affected: yes. Observed: 1 variant allele.

Literature cited by the submitters: PubMed 29691940 (cited by 3 submitters); PubMed 34085948 (cited by Ambry Genetics); PubMed 28783747 (cited by Labcorp Genetics (formerly Invitae), Labcorp); PubMed 16199547 (cited by Labcorp Genetics (formerly Invitae), Labcorp); PubMed 19165920 (cited by Labcorp Genetics (formerly Invitae), Labcorp); PubMed 20029458 (cited by Labcorp Genetics (formerly Invitae), Labcorp); PubMed 21954287 (cited by Labcorp Genetics (formerly Invitae), Labcorp); PubMed 22452838 (cited by Labcorp Genetics (formerly Invitae), Labcorp); PubMed 22709267 (cited by Labcorp Genetics (formerly Invitae), Labcorp).